The following is an entry in ClinVar:

ClinVar aggregate classification (germline): Pathogenic/Likely pathogenic. Review status: criteria provided, multiple submitters, no conflicts (2 of 4 stars). 4 submissions from 4 submitters: Pathogenic (1); Likely pathogenic (1). 2 of the submissions do not count toward it. Last evaluated 2025-07-18.

Conditions:
TUBB-related disorder. Also called: TUBB-related condition.
Skin creases, congenital symmetric circumferential, 1. Also called: SKIN CREASES, MULTIPLE BENIGN RING-SHAPED, OF LIMBS; CIRCUMFERENTIAL SKIN CREASES, KUNZE TYPE; MICHELIN TIRE BABY SYNDROME; Multiple benign circumferential skin creases on limbs 1. Identifiers: MedGen C4551592, MONDO:0020738, OMIM 156610.
Complex cortical dysplasia with other brain malformations 6. Identifiers: MedGen C4014283, MONDO:0014341, OMIM 615771.

Submissions (4):

GeneDx
Classification: Pathogenic. Last evaluated: 2025-07-18. Review status: criteria provided, single submitter. Criteria: GeneDx Variant Classification Process June 2021. Collection method: clinical testing. Allele origin: germline. Affected: yes.
Comment: Not observed at significant frequency in large population cohorts (gnomAD); In silico analysis suggests that this missense variant does not alter protein structure/function; This variant is associated with the following publications: (PMID: 30738969, 24833723, 32085672, 23246003)

Juno Genomics, Hangzhou Juno Genomics, Inc
Classification: Likely pathogenic for Complex cortical dysplasia with other brain malformations 6; Skin creases, congenital symmetric circumferential, 1. Review status: criteria provided, single submitter. Criteria: ACMG Guidelines, 2015. Collection method: clinical testing. Allele origin: germline. Affected: yes.
Comment: Absent from controls (or at extremely low frequency if recessive) in Genome Aggregation Database, Exome Sequencing Project, 1000 Genomes Project, or Exome Aggregation Consortium.;Missense variant in a gene that has a low rate of benign missense variation and where missense variants are a common mechanism of disease.;The prevalence of the variant in affected individuals is significantly increased compared to the prevalence in controls.;Assumed de novo, but without confirmation of paternity and maternity.;Patient's phenotype or family history is highly specific for a disease with a single genetic etiology.;Well-established in vitro or in vivo functional studies supportive of a damaging effect on the gene or gene product.;Multiple lines of computational evidence suggest no impact on gene or gene product (conservation, evolutionary, splicing impact, etc).

PreventionGenetics, part of Exact Sciences
Classification: Likely pathogenic for TUBB-related condition. Last evaluated: 2024-06-28. Review status: no assertion criteria provided. Collection method: clinical testing. Allele origin: germline. Not counted in ClinVar's aggregate classification.
Comment: The TUBB c.1057G>A variant is predicted to result in the amino acid substitution p.Val353Ile. This variant was reported in an individual with Microcephaly and it occurred de novo in the patient (Breuss et al 2012. PubMed ID: 23246003). Functional studies demonstrated that this variant may disrupt microtubule meshwork formation and lead to a migration defect (Ngo L et al 2014. PubMed ID: 24833723). This variant has not been reported in a large population database, indicating this variant is rare. This variant is interpreted as likely pathogenic.

OMIM
Classification: Pathogenic for CORTICAL DYSPLASIA, COMPLEX, WITH OTHER BRAIN MALFORMATIONS 6. Last evaluated: 2012-12-27. Review status: no assertion criteria provided. Collection method: literature only. Allele origin: germline. Not counted in ClinVar's aggregate classification.

Literature cited by the submitters: Breuss, M., Heng, J. I.-T., Poirier, K., Tian, G., Jaglin, X. H., Qu, Z., Braun, A., Gstrein, T., Ngo, L., Haas, M., Bahi-Buisson, N., Moutard, M. L., and 11 others Mutations in the beta-tubulin gene TUBB5 cause microcephaly with structural brain abnormalities. Cell Rep. 2: 1554-1562, 2012. (cited by OMIM).

NM_178014.4(TUBB):c.1057G>A (p.Val353Ile)

Gene: TUBB (tubulin beta class I; plus strand). Cytogenetic location: 6p21.33.
Variant type: single nucleotide variant.
Coding change: c.1057G>A on transcript NM_178014.4 (MANE Select); coding-DNA position 1057, G replaced by A.
Protein change: p.Val353Ile; replaces valine 353 with isoleucine.
Molecular consequence: missense variant. On other transcripts: non-coding transcript variant (1).
Genome position (GRCh38, 1-based): chr6:30,724,119, G>A. VCF-style: chr6-30724119-G-A. GRCh37 (hg19) VCF-style: chr6-30691896-G-A.
Other names: c.1117G>A, p.Val373Ile (NM_001293212.2); c.451G>A, p.Val151Ile (NM_001293213.2); c.925G>A, p.Val309Ile (NM_001293214.2); c.841G>A, p.Val281Ile (NM_001293215.2, NM_001293216.2); short protein forms V353I, V281I, V309I, V151I, V373I.
Identifiers: ClinVar variation 127190 (VCV000127190.9), dbSNP rs587777356, ClinGen allele CA151416.
Genomic context (GRCh38, chr6:30,724,119, plus strand): 5'-GTGCAGAACAAGAACAGCAGCTACTTTGTGGAATGGATCCCCAACAATGTCAAGACAGCC[G>A]TCTGTGACATCCCACCTCGTGGCCTCAAGATGGCAGTCACCTTCATTGGCAATAGCACAG-3'
Protein context (NP_821133.1, residues 343-363): EWIPNNVKTA[Val353Ile]CDIPPRGLKM